The following is an entry in ClinVar:

ClinVar aggregate classification (germline): Uncertain significance. Review status: criteria provided, multiple submitters, no conflicts (2 of 4 stars). 5 submissions from 5 submitters: Uncertain significance (4). 1 of the submissions does not count toward it. Last evaluated 2024-12-25.

Conditions:
Inborn genetic diseases. Identifiers: MedGen C0950123, MeSH D030342.
Leber congenital amaurosis 5 (LCA5). Also called: Amaurosis congenita of Leber, type 5. Identifiers: Orphanet 65, MedGen C1858301, MONDO:0011473, OMIM 604537.

Allele frequency attached by ClinVar (database versions not stated): gnomAD exomes 0.00001 and 0.00002; TOPMed 0.00001; gnomAD 0.00002.
gnomAD v4.1: 24 of 1,612,884 alleles (0.0015%); highest among the groups gnomAD compares: Admixed American, 0.012%; no homozygotes.

Submissions (5):

Ambry Genetics
Classification: Uncertain significance for Inborn genetic diseases. Last evaluated: 2024-12-25. Review status: criteria provided, single submitter. Criteria: Ambry Variant Classification Scheme 2023. Collection method: clinical testing. Allele origin: germline.

Labcorp Genetics (formerly Invitae), Labcorp
Classification: Uncertain significance. Last evaluated: 2024-10-23. Review status: criteria provided, single submitter. Criteria: Invitae Variant Classification Sherloc (09022015). Collection method: clinical testing. Allele origin: germline.
Comment: This sequence change replaces threonine, which is neutral and polar, with isoleucine, which is neutral and non-polar, at codon 596 of the LCA5 protein (p.Thr596Ile). This variant is present in population databases (no rsID available, gnomAD 0.02%). This variant has not been reported in the literature in individuals affected with LCA5-related conditions. ClinVar contains an entry for this variant (Variation ID: 911364). Invitae Evidence Modeling of protein sequence and biophysical properties (such as structural, functional, and spatial information, amino acid conservation, physicochemical variation, residue mobility, and thermodynamic stability) indicates that this missense variant is not expected to disrupt LCA5 protein function with a negative predictive value of 80%. In summary, the available evidence is currently insufficient to determine the role of this variant in disease. Therefore, it has been classified as a Variant of Uncertain Significance.

Blueprint Genetics
Classification: Uncertain significance. Last evaluated: 2024-01-08. Review status: criteria provided, single submitter. Criteria: ACMG Guidelines, 2015. Collection method: clinical testing. Allele origin: germline.

Illumina Laboratory Services, Illumina
Classification: Uncertain significance for Leber congenital amaurosis 5. Last evaluated: 2018-01-12. Review status: criteria provided, single submitter. Criteria: ICSL Variant Classification Criteria 13 December 2019. Collection method: clinical testing. Allele origin: germline.

Natera, Inc.
Classification: Uncertain significance for Leber congenital amaurosis type 5. Last evaluated: 2020-02-26. Review status: no assertion criteria provided. Collection method: clinical testing. Allele origin: germline. Not counted in ClinVar's aggregate classification.

NM_001122769.3(LCA5):c.1787C>T (p.Thr596Ile)

Gene: LCA5 (lebercilin LCA5; minus strand). Cytogenetic location: 6q14.1.
Variant type: single nucleotide variant.
Coding change: c.1787C>T on transcript NM_001122769.3 (MANE Select); coding-DNA position 1787, C replaced by T.
Protein change: p.Thr596Ile; replaces threonine 596 with isoleucine.
Molecular consequence: missense variant.
Genome position (GRCh38, 1-based): chr6:79,487,311, G>A on the plus strand (C>T on the coding strand, the complement: LCA5 is on the minus strand). VCF-style: chr6-79487311-G-A. GRCh37 (hg19) VCF-style: chr6-80197028-G-A.
Other names: c.1787C>T, p.Thr596Ile (NM_181714.4); short protein forms T596I.
Identifiers: ClinVar variation 911364 (VCV000911364.13), dbSNP rs1001422592, ClinGen allele CA141860215.